The following is an entry in ClinVar:

ClinVar aggregate classification (germline): Uncertain significance (1 of 4 stars; one submission).

Conditions:
Walker-Warburg congenital muscular dystrophy. Also called: Muscular dystrophy-dystroglycanopathy, type A; Walker-Warburg syndrome. Identifiers: Orphanet 899, MedGen C0265221, MONDO:0000171.

Allele frequency attached by ClinVar (database versions not stated): gnomAD exomes below 0.00001.
gnomAD v4.1: 1 of 1,575,612 alleles (0.000063%); highest among the groups gnomAD compares: Non-Finnish European, 0.000087%; no homozygotes.

Submission:

Labcorp Genetics (formerly Invitae), Labcorp
Classification: Uncertain significance for Walker-Warburg congenital muscular dystrophy. Last evaluated: 2022-03-26. Review status: criteria provided, single submitter. Criteria: Invitae Variant Classification Sherloc (09022015). Collection method: clinical testing. Allele origin: germline.
Comment: Algorithms developed to predict the effect of missense changes on protein structure and function (SIFT, PolyPhen-2, Align-GVGD) all suggest that this variant is likely to be tolerated. This variant has not been reported in the literature in individuals affected with FKTN-related conditions. This variant is not present in population databases (gnomAD no frequency). This sequence change replaces alanine, which is neutral and non-polar, with glycine, which is neutral and non-polar, at codon 57 of the FKTN protein (p.Ala57Gly). In summary, the available evidence is currently insufficient to determine the role of this variant in disease. Therefore, it has been classified as a Variant of Uncertain Significance.

NM_001079802.2(FKTN):c.170C>G (p.Ala57Gly)

Gene: FKTN (fukutin; plus strand). Cytogenetic location: 9q31.2.
Variant type: single nucleotide variant.
Coding change: c.170C>G on transcript NM_001079802.2 (MANE Select); coding-DNA position 170, C replaced by G.
Protein change: p.Ala57Gly; replaces alanine 57 with glycine.
Molecular consequence: missense variant. On other transcripts: non-coding transcript variant (2), 5 prime UTR variant (4).
Genome position (GRCh38, 1-based): chr9:105,601,149, C>G. VCF-style: chr9-105601149-C-G. GRCh37 (hg19) VCF-style: chr9-108363430-C-G.
Other names: c.170C>G, p.Ala57Gly (NM_001198963.2, NM_001351496.2, NM_001351498.2 and 1 more transcripts); c.101C>G, p.Ala34Gly (NM_001351497.2); c.-345C>G (NM_001351499.2, NM_001351500.2, NM_001351501.2 and 1 more transcripts); short protein forms A34G, A57G.
Identifiers: ClinVar variation 1898722 (VCV001898722.3), dbSNP rs1554751104, ClinGen allele CA374331395.